The following is an entry in ClinVar:

NM_001161352.2(KCNMA1):c.694C>G (p.Arg232Gly)

Gene: KCNMA1 (potassium calcium-activated channel subfamily M alpha 1; minus strand). Cytogenetic location: 10q22.3.
Variant type: single nucleotide variant.
Coding change: c.694C>G on transcript NM_001161352.2 (MANE Select); coding-DNA position 694, C replaced by G.
Protein change: p.Arg232Gly; replaces arginine 232 with glycine.
Molecular consequence: missense variant.
Genome position (GRCh38, 1-based): chr10:77,184,825, G>C on the plus strand (C>G on the coding strand, the complement: KCNMA1 is on the minus strand). VCF-style: chr10-77184825-G-C. GRCh37 (hg19) VCF-style: chr10-78944583-G-C.
Other names: c.694C>G, p.Arg232Gly (NM_001014797.3, NM_001161353.2, NM_001271519.2 and 9 more transcripts); c.532C>G, p.Arg178Gly (NM_001271518.2); c.154C>G, p.Arg52Gly (NM_001322838.2); c.826C>G, p.Arg276Gly (NM_001437422.1); short protein forms R178G, R232G, R276G, R52G.
Identifiers: ClinVar variation 4088026 (VCV004088026.1).

ClinVar aggregate classification (germline): Uncertain significance (1 of 4 stars; one submission).

Submission:

GeneDx
Classification: Uncertain significance. Last evaluated: 2025-03-25. Review status: criteria provided, single submitter. Criteria: GeneDx Variant Classification Process June 2021. Collection method: clinical testing. Allele origin: germline. Affected: yes.
Comment: Not observed at significant frequency in large population cohorts (gnomAD); In silico analysis supports that this missense variant has a deleterious effect on protein structure/function; Has not been previously published as pathogenic or benign to our knowledge